The following is an entry in ClinVar:

ClinVar aggregate classification (germline): Uncertain significance. Review status: criteria provided, multiple submitters, no conflicts (2 of 4 stars). 2 submissions from 2 submitters: Uncertain significance (2). Last evaluated 2025-04-12.

Conditions:
Inborn genetic diseases. Identifiers: MedGen C0950123, MeSH D030342.

Allele frequency attached by ClinVar (database versions not stated): gnomAD exomes 0.00005 and 0.00012; TOPMed 0.00007; ExAC 0.00006; gnomAD 0.00007; ESP Exome Variant Server 0.00008.
gnomAD v4.1: 183 of 1,613,606 alleles (0.011%); highest among the groups gnomAD compares: Non-Finnish European, 0.015%; no homozygotes.

Submissions (2):

Ambry Genetics
Classification: Uncertain significance for Inborn genetic diseases. Last evaluated: 2025-04-12. Review status: criteria provided, single submitter. Criteria: Ambry Variant Classification Scheme 2023. Collection method: clinical testing. Allele origin: germline.

Labcorp Genetics (formerly Invitae), Labcorp
Classification: Uncertain significance. Last evaluated: 2022-10-24. Review status: criteria provided, single submitter. Criteria: Invitae Variant Classification Sherloc (09022015). Collection method: clinical testing. Allele origin: germline.
Comment: This sequence change replaces alanine, which is neutral and non-polar, with valine, which is neutral and non-polar, at codon 271 of the PLAA protein (p.Ala271Val). This variant is present in population databases (rs370049836, gnomAD 0.01%). This variant has not been reported in the literature in individuals affected with PLAA-related conditions. ClinVar contains an entry for this variant (Variation ID: 1440815). Advanced modeling of protein sequence and biophysical properties (such as structural, functional, and spatial information, amino acid conservation, physicochemical variation, residue mobility, and thermodynamic stability) has been performed at Invitae for this missense variant, however the output from this modeling did not meet the statistical confidence thresholds required to predict the impact of this variant on PLAA protein function. In summary, the available evidence is currently insufficient to determine the role of this variant in disease. Therefore, it has been classified as a Variant of Uncertain Significance.

NM_001031689.3(PLAA):c.812C>T (p.Ala271Val)

Gene: PLAA (phospholipase A2 activating protein; minus strand). Cytogenetic location: 9p21.2.
Variant type: single nucleotide variant.
Coding change: c.812C>T on transcript NM_001031689.3 (MANE Select); coding-DNA position 812, C replaced by T.
Protein change: p.Ala271Val; replaces alanine 271 with valine.
Molecular consequence: missense variant.
Genome position (GRCh38, 1-based): chr9:26,925,882, G>A on the plus strand (C>T on the coding strand, the complement: PLAA is on the minus strand). VCF-style: chr9-26925882-G-A. GRCh37 (hg19) VCF-style: chr9-26925880-G-A.
Other names: c.812C>T, p.Ala271Val (NM_001321546.2); c.812C>T (NM_001031689.2); short protein forms A271V.
Identifiers: ClinVar variation 1440815 (VCV001440815.4), dbSNP rs370049836, ClinGen allele CA5014542.
Genomic context (GRCh38, chr9:26,925,882, plus strand): 5'-TACCTCGCACCAACCACAATGTCACCATTGTCGAGCACACAGCAGCACCATATAGACTGA[G>A]CTGGAAGTCGGATAGTTTGAGCACATTCCCCATGTTTCCAGATTCTCAGAGATCTGTCCT-3'
Protein context (NP_001026859.1, residues 261-281): GECAQTIRLP[Ala271Val]QSIWCCCVLD